The following is an entry in ClinVar:

NM_198578.4(LRRK2):c.5027A>T (p.His1676Leu)

Gene: LRRK2 (leucine rich repeat kinase 2; plus strand). Cytogenetic location: 12q12.
Variant type: single nucleotide variant.
Coding change: c.5027A>T on transcript NM_198578.4 (MANE Select); coding-DNA position 5027, A replaced by T.
Protein change: p.His1676Leu; replaces histidine 1676 with leucine.
Molecular consequence: missense variant.
Genome position (GRCh38, 1-based): chr12:40,321,045, A>T. VCF-style: chr12-40321045-A-T. GRCh37 (hg19) VCF-style: chr12-40714847-A-T.
Other names: short protein forms H1676L.
Identifiers: ClinVar variation 3540580 (VCV003540580.1).
Genomic context (GRCh38, chr12:40,321,045, plus strand): 5'-GTTGGGTGTTTTGTGAGGCTGTATAACCATAGTGTCCTTTTGCCTTTAGTTTGTCTGACC[A>T]CAGGCCTGTGATAGAGCTTCCCCATTGTGAGAACTCTGAAATTATCATCCGACTATATGA-3'
Protein context (NP_940980.4, residues 1666-1686): YLLVPSSLSD[His1676Leu]RPVIELPHCE

ClinVar aggregate classification (germline): Uncertain significance (1 of 4 stars; one submission).

Conditions:
Inborn genetic diseases. Identifiers: MedGen C0950123, MeSH D030342.

gnomAD v4.1: 1 of 1,612,436 alleles (0.000062%); highest among the groups gnomAD compares: South Asian, 0.0011%; no homozygotes.

Submission:

Ambry Genetics
Classification: Uncertain significance for Inborn genetic diseases. Last evaluated: 2024-07-15. Review status: criteria provided, single submitter. Criteria: Ambry Variant Classification Scheme 2023. Collection method: clinical testing. Allele origin: germline.
Comment: The p.H1676L variant (also known as c.5027A>T), located in coding exon 35 of the LRRK2 gene, results from an A to T substitution at nucleotide position 5027. The histidine at codon 1676 is replaced by leucine, an amino acid with similar properties. This amino acid position is conserved. In addition, the in silico prediction for this alteration is inconclusive. Based on the available evidence, the clinical significance of this variant remains unclear.